The following is an entry in ClinVar:

ClinVar aggregate classification (germline): Likely pathogenic. Review status: criteria provided, multiple submitters, no conflicts (2 of 4 stars). 2 submissions from 2 submitters: Likely pathogenic (2). Last evaluated 2023-12-16.

Conditions:
MPI-congenital disorder of glycosylation. Also called: MANNOSEPHOSPHATE ISOMERASE DEFICIENCY; MPI DEFICIENCY; PROTEIN-LOSING ENTEROPATHY-HEPATIC FIBROSIS SYNDROME; MPI-CDG; CONGENITAL DISORDER OF GLYCOSYLATION, TYPE Ib; CDG Ib. Identifiers: Orphanet 79319, MedGen C1865145, MONDO:0011257, OMIM 602579.

Allele frequency attached by ClinVar (database versions not stated): gnomAD 0.00001.

Submissions (2):

Labcorp Genetics (formerly Invitae), Labcorp
Classification: Likely pathogenic for MPI-congenital disorder of glycosylation. Last evaluated: 2023-12-16. Review status: criteria provided, single submitter. Criteria: Invitae Variant Classification Sherloc (09022015). Collection method: clinical testing. Allele origin: germline.
Comment: This sequence change affects an acceptor splice site in intron 2 of the MPI gene. It is expected to disrupt RNA splicing. Variants that disrupt the donor or acceptor splice site typically lead to a loss of protein function (PMID: 16199547), and loss-of-function variants in MPI are known to be pathogenic (PMID: 19862844). This variant is not present in population databases (gnomAD no frequency). This variant has not been reported in the literature in individuals affected with MPI-related conditions. ClinVar contains an entry for this variant (Variation ID: 1066765). Algorithms developed to predict the effect of sequence changes on RNA splicing suggest that this variant may disrupt the consensus splice site. In summary, the currently available evidence indicates that the variant is pathogenic, but additional data are needed to prove that conclusively. Therefore, this variant has been classified as Likely Pathogenic.

Baylor Genetics
Classification: Likely pathogenic for MPI-congenital disorder of glycosylation. Last evaluated: 2023-11-15. Review status: criteria provided, single submitter. Criteria: ACMG Guidelines, 2015. Collection method: clinical testing. Allele origin: unknown.

Literature cited by the submitters: PubMed 16199547 (cited by Labcorp Genetics (formerly Invitae), Labcorp); PubMed 19862844 (cited by Labcorp Genetics (formerly Invitae), Labcorp).

NM_002435.3(MPI):c.145-1G>C

Gene: MPI (mannose phosphate isomerase; plus strand). Cytogenetic location: 15q24.1.
Variant type: single nucleotide variant.
Coding change: c.145-1G>C on transcript NM_002435.3 (MANE Select); the canonical splice acceptor site of the intron before coding-DNA position 145, G replaced by C.
Molecular consequence: splice acceptor variant.
Genome position (GRCh38, 1-based): chr15:74,891,378, G>C. VCF-style: chr15-74891378-G-C. GRCh37 (hg19) VCF-style: chr15-75183719-G-C.
Other names: c.85-1G>C (NM_001330372.2); c.145-1G>C (NM_001289155.2, NM_001289157.2); c.-6-1G>C (NM_001289156.2).
Identifiers: ClinVar variation 1066765 (VCV001066765.8), dbSNP rs1057516573, ClinGen allele CA393170640.
Genomic context (GRCh38, chr15:74,891,378, plus strand): 5'-AGGCCAACTCAGGGTGGCAGGTTTCTTCCCCCTTCCCCTCCCAAGTTTCCTGTCTTTCCA[G>C]TTGTGGATGGGGACTCACCCCCGAGGGGATGCCAAGATCCTTGACAACCGCATCTCACAG-3'